The following is an entry in ClinVar:

NM_001035.3(RYR2):c.2617G>C (p.Val873Leu)

Gene: RYR2 (ryanodine receptor 2; plus strand). Cytogenetic location: 1q43.
Variant type: single nucleotide variant.
Coding change: c.2617G>C on transcript NM_001035.3 (MANE Select); coding-DNA position 2617, G replaced by C.
Protein change: p.Val873Leu; replaces valine 873 with leucine.
Molecular consequence: missense variant.
Genome position (GRCh38, 1-based): chr1:237,506,713, G>C. VCF-style: chr1-237506713-G-C. GRCh37 (hg19) VCF-style: chr1-237670013-G-C.
Other names: short protein forms V873L.
Identifiers: ClinVar variation 959929 (VCV000959929.14), dbSNP rs369248015, ClinGen allele CA345380921.
Genomic context (GRCh38, chr1:237,506,713, plus strand): 5'-CACTGCATCTTATTGCATTTGTTTCTGATGTGTCTTTTTTCTTTTTGTAAATTTTAGATC[G>C]TGTTGCCTCCTCATCTAGAAAGAATAAGAGAAAAACTGGCAGAGAATATCCATGAACTCT-3'
Protein context (NP_001026.2, residues 863-883): TPIPVDTSQI[Val873Leu]LPPHLERIRE

ClinVar aggregate classification (germline): Uncertain significance. Review status: criteria provided, multiple submitters, no conflicts (2 of 4 stars). 3 submissions from 3 submitters: Uncertain significance (3). Last evaluated 2024-08-19.

Conditions:
Catecholaminergic polymorphic ventricular tachycardia (CVPT). Also called: Catecholamine-induced polymorphic ventricular tachycardia. Identifiers: Orphanet 3286, MedGen C5574922, MONDO:0017990.
Cardiomyopathy (CMYO). Also called: Cardiomyopathies. Identifiers: Orphanet 167848, MedGen C0878544, MONDO:0004994, HP:0001638. Inheritance: Various modes of inheritance.
Catecholaminergic polymorphic ventricular tachycardia 1. Also called: VENTRICULAR TACHYCARDIA, CATECHOLAMINERGIC POLYMORPHIC, 1, WITH OR WITHOUT ATRIAL DYSFUNCTION AND/OR DILATED CARDIOMYOPATHY; VENTRICULAR TACHYCARDIA, STRESS-INDUCED POLYMORPHIC 1; RYR2-Related Catecholaminergic Polymorphic Ventricular Tachycardia. Identifiers: Orphanet 3286, MedGen C1631597, MONDO:0011484, OMIM 604772.

Submissions (3):

Color Diagnostics, LLC DBA Color Health
Classification: Uncertain significance for Cardiomyopathy. Last evaluated: 2024-08-19. Review status: criteria provided, single submitter. Criteria: ACMG Guidelines, 2015. Collection method: clinical testing. Allele origin: germline.
Comment: This missense variant replaces valine with leucine at codon 873 of the RYR2 protein. Computational prediction is inconclusive regarding the impact of this variant on protein structure and function. To our knowledge, functional studies have not been reported for this variant. This variant has not been reported in individuals affected with RYR2-related disorders in the literature. This variant has not been identified in the general population by the Genome Aggregation Database (gnomAD). The available evidence is insufficient to determine the role of this variant in disease conclusively. Therefore, this variant is classified as a Variant of Uncertain Significance.

All of Us Research Program, National Institutes of Health
Classification: Uncertain significance for Catecholaminergic polymorphic ventricular tachycardia. Last evaluated: 2024-01-11. Review status: criteria provided, single submitter. Criteria: ACMG Guidelines, 2015. Collection method: clinical testing. Allele origin: germline. Inheritance: Autosomal dominant inheritance. Observed: 1 variant allele, 1 heterozygote.
Comment: This study involves interpretation of variants in research participants for the purpose of population health screening. Participant phenotype was not available at the time of variant classification. Additional details can be found in publication PMID: 35346344, PMCID: PMC8962531

Labcorp Genetics (formerly Invitae), Labcorp
Classification: Uncertain significance for Catecholaminergic polymorphic ventricular tachycardia 1. Last evaluated: 2021-06-05. Review status: criteria provided, single submitter. Criteria: Invitae Variant Classification Sherloc (09022015). Collection method: clinical testing. Allele origin: germline.
Comment: In summary, the available evidence is currently insufficient to determine the role of this variant in disease. Therefore, it has been classified as a Variant of Uncertain Significance. Algorithms developed to predict the effect of missense changes on protein structure and function are either unavailable or do not agree on the potential impact of this missense change (SIFT: "Deleterious"; PolyPhen-2: "Benign"; Align-GVGD: "Class C25"). This variant has not been reported in the literature in individuals with RYR2-related conditions. This variant is not present in population databases (ExAC no frequency). This sequence change replaces valine with leucine at codon 873 of the RYR2 protein (p.Val873Leu). The valine residue is highly conserved and there is a small physicochemical difference between valine and leucine.